The following is an entry in ClinVar:

NM_000516.7(GNAS):c.1131C>T (p.Asn377=)

Gene: GNAS (GNAS complex locus; plus strand). Cytogenetic location: 20q13.32.
Variant type: single nucleotide variant.
Coding change: c.1131C>T on transcript NM_000516.7 (MANE Select); coding-DNA position 1131, C replaced by T.
Protein change: p.Asn377=; no amino-acid change (asparagine 377 retained).
Molecular consequence: synonymous variant. On other transcripts: 3 prime UTR variant (2).
Genome position (GRCh38, 1-based): chr20:58,910,775, C>T. VCF-style: chr20-58910775-C-T. GRCh37 (hg19) VCF-style: chr20-57485830-C-T.
Other names: c.1134C>T, p.Asn378= (NM_001077488.5); c.1086C>T, p.Asn362= (NM_001077489.4); c.*992C>T (NM_001077490.3); c.954C>T, p.Asn318= (NM_001309840.2, NM_001309861.2); c.*1037C>T (NM_016592.5); c.3060C>T, p.Asn1020= (NM_080425.4); c.1089C>T, p.Asn363= (NM_080426.4).
Identifiers: ClinVar variation 748266 (VCV000748266.49), dbSNP rs140075370, ClinGen allele CA9927326.
Genomic context (GRCh38, chr20:58,910,775, plus strand): 5'-CTACTGCTACCCTCATTTCACCTGCGCTGTGGACACTGAGAACATCCGCCGTGTGTTCAA[C>T]GACTGCCGTGACATCATTCAGCGCATGCACCTTCGTCAGTACGAGCTGCTCTAAGAAGGG-3'
Protein context (NP_000507.1, residues 367-387): VDTENIRRVF[Asn377=]DCRDIIQRMH

ClinVar aggregate classification (germline): Likely benign. Review status: criteria provided, multiple submitters, no conflicts (2 of 4 stars). 5 submissions from 5 submitters: Likely benign (5). Last evaluated 2024-10-03.

Conditions:
Pituitary adenoma 3, multiple types. Also called: PITUITARY ADENOMA 3, ACTH-SECRETING, SOMATIC; PITUITARY ADENOMA 3, GROWTH HORMONE-SECRETING, SOMATIC. Identifiers: MedGen C4540135, MONDO:0054665, OMIM 617686.
Pseudohypoparathyroidism type 1B (PHP1B). Also called: Pseudohypoparathyroidism Type IB; Pseudohypoparathyroidism Ib (PHP-Ib); PHP IB. Identifiers: Orphanet 94089, MedGen C1864100, MONDO:0011301, OMIM 603233.
Pseudopseudohypoparathyroidism (PPHP). Also called: Pseudopseudohypoparathyroidism (PPHP); ALBRIGHT HEREDITARY OSTEODYSTROPHY WITHOUT MULTIPLE HORMONE RESISTANCE. Identifiers: Orphanet 79445, MedGen C0033835, MONDO:0012912, OMIM 612463.
ACTH-independent macronodular adrenal hyperplasia 1 (AIMAH1). Also called: CUSHING SYNDROME, ADRENAL, DUE TO AIMAH; ACTH-independent macronodular adrenal hyperplasia, somatic; ACTH-INDEPENDENT MACRONODULAR ADRENOCORTICAL HYPERPLASIA; CORTICOTROPIN-INDEPENDENT MACRONODULAR ADRENAL HYPERPLASIA; ADRENOCORTICOTROPIC HORMONE-INDEPENDENT MACRONODULAR ADRENAL HYPERPLASIA. Identifiers: MedGen C1857451, MONDO:0020735, OMIM 219080.
Pseudohypoparathyroidism type I A (PHP1A). Also called: Pseudohypoparathyroidism Ia (PHP-Ia); ALBRIGHT HEREDITARY OSTEODYSTROPHY WITH MULTIPLE HORMONE RESISTANCE; Pseudohypoparathyroidism type 1A; PHP IA; Pseudohypoparathyroidism Type IA. Identifiers: Orphanet 79443, MedGen C3494506, MONDO:0007078, OMIM 103580.
McCune-Albright syndrome (MAS). Also called: ALBRIGHT SYNDROME; Albright's Syndrome; Albright's disease; McCune-Albright syndrome, somatic, mosaic; Fibrous Dysplasia / McCune-Albright Syndrome. Identifiers: Orphanet 562, MedGen C0242292, MONDO:0018919, OMIM 174800.
Pseudohypoparathyroidism type 1C (PHP1C). Also called: Pseudohypoparathyroidism Ic (PHP-Ic); PSEUDOHYPOPARATHYROIDISM, TYPE IC; PHP IC. Identifiers: Orphanet 79444, MedGen C2932716, MONDO:0012911, OMIM 612462.
Progressive osseous heteroplasia (POH). Also called: ECTOPIC OSSIFICATION, FAMILIAL; Progressive Osseus Heteroplasia (POH); Osteoma cutis; Osseus Heteroplasia, Progressive. Identifiers: Orphanet 2762, MedGen C0334041, MONDO:0008153, OMIM 166350, HP:0025027.
GNAS-related disorder. Identifiers: MedGen CN380105.

Allele frequency attached by ClinVar (database versions not stated): ExAC 0.00003; gnomAD 0.00003; TOPMed 0.00003; gnomAD exomes 0.00004 and 0.00006; ESP Exome Variant Server 0.00008.
gnomAD v4.1: 62 of 1,613,994 alleles (0.0038%); highest among the groups gnomAD compares: South Asian, 0.014%; 1 homozygote.

Submissions (5):

PreventionGenetics, part of Exact Sciences
Classification: Likely benign for GNAS-related condition. Last evaluated: 2024-10-03. Review status: criteria provided, single submitter. Criteria: ACMG Guidelines, 2015. Collection method: clinical testing. Allele origin: germline.
Comment: This variant is classified as likely benign based on ACMG/AMP sequence variant interpretation guidelines (Richards et al. 2015 PMID: 25741868, with internal and published modifications).

Labcorp Genetics (formerly Invitae), Labcorp
Classification: Likely benign. Last evaluated: 2024-03-12. Review status: criteria provided, single submitter. Criteria: Invitae Variant Classification Sherloc (09022015). Collection method: clinical testing. Allele origin: germline.

Blueprint Genetics
Classification: Likely benign. Last evaluated: 2023-06-14. Review status: criteria provided, single submitter. Criteria: ACMG Guidelines, 2015. Collection method: clinical testing. Allele origin: germline.

Fulgent Genetics
Classification: Likely benign for Pseudohypoparathyroidism type I A; Progressive osseous heteroplasia; McCune-Albright syndrome; ACTH-independent macronodular adrenal hyperplasia 1; Pseudohypoparathyroidism type 1B; Pseudohypoparathyroidism type 1C; Pseudopseudohypoparathyroidism; Pituitary adenoma 3, multiple types. Last evaluated: 2022-01-17. Review status: criteria provided, single submitter. Criteria: ACMG Guidelines, 2015. Collection method: clinical testing. Allele origin: unknown.

CeGaT Center for Human Genetics Tuebingen
Classification: Likely benign. Last evaluated: 2020-04-01. Review status: criteria provided, single submitter. Criteria: CeGaT Center For Human Genetics Tuebingen Variant Classification Criteria Version 2. Collection method: clinical testing. Allele origin: germline. Affected: yes. Observed: 1 variant allele.